The following is an entry in ClinVar:

NM_018136.5(ASPM):c.5041G>A (p.Ala1681Thr)

Gene: ASPM (assembly factor for spindle microtubules; minus strand). Cytogenetic location: 1q31.3.
Variant type: single nucleotide variant.
Coding change: c.5041G>A on transcript NM_018136.5 (MANE Select); coding-DNA position 5041, G replaced by A.
Protein change: p.Ala1681Thr; replaces alanine 1681 with threonine.
Molecular consequence: missense variant. On other transcripts: intron variant (1).
Genome position (GRCh38, 1-based): chr1:197,104,210, C>T on the plus strand (G>A on the coding strand, the complement: ASPM is on the minus strand). VCF-style: chr1-197104210-C-T. GRCh37 (hg19) VCF-style: chr1-197073340-C-T.
Other names: c.4066-8046G>A (NM_001206846.2); short protein forms A1681T.
Identifiers: ClinVar variation 1507876 (VCV001507876.6), dbSNP rs749889567, ClinGen allele CA1309823.
Genomic context (GRCh38, chr1:197,104,210, plus strand): 5'-AATGCAAATATTGTTTACGTGTTTGTTTCATCTTAACAGTTGACTGCAATTTTATTGTAG[C>T]ATTTTTTAGGCTCAAAAATTCCTTTTTAGAAACATAAGCACGATAATATGATTGAATCTT-3'
Protein context (NP_060606.3, residues 1671-1691): SKKEFLSLKN[Ala1681Thr]TIKLQSTVKM

ClinVar aggregate classification (germline): Uncertain significance (1 of 4 stars; one submission).

Allele frequency attached by ClinVar (database versions not stated): gnomAD exomes below 0.00001 and 0.00001; ExAC 0.00001.
gnomAD v4.1: 2 of 1,612,508 alleles (0.00012%); highest among the groups gnomAD compares: Admixed American, 0.0033%; no homozygotes.

Submission:

Labcorp Genetics (formerly Invitae), Labcorp
Classification: Uncertain significance. Last evaluated: 2025-03-17. Review status: criteria provided, single submitter. Criteria: Invitae Variant Classification Sherloc (09022015). Collection method: clinical testing. Allele origin: germline.
Comment: This sequence change replaces alanine, which is neutral and non-polar, with threonine, which is neutral and polar, at codon 1681 of the ASPM protein (p.Ala1681Thr). This variant is present in population databases (rs749889567, gnomAD 0.006%). This variant has not been reported in the literature in individuals affected with ASPM-related conditions. ClinVar contains an entry for this variant (Variation ID: 1507876). Invitae Evidence Modeling of protein sequence and biophysical properties (such as structural, functional, and spatial information, amino acid conservation, physicochemical variation, residue mobility, and thermodynamic stability) indicates that this missense variant is not expected to disrupt ASPM protein function with a negative predictive value of 80%. In summary, the available evidence is currently insufficient to determine the role of this variant in disease. Therefore, it has been classified as a Variant of Uncertain Significance.